The following is an entry in ClinVar:

NM_000719.7(CACNA1C):c.5597A>G (p.Asn1866Ser)

Genes: CACNA1C-AS1 (CACNA1C antisense RNA 1; minus strand), CACNA1C (calcium voltage-gated channel subunit alpha1 C; plus strand). Cytogenetic location: 12p13.33.
Variant type: single nucleotide variant.
Coding change: c.5597A>G on transcript NM_000719.7 (MANE Select); coding-DNA position 5597, A replaced by G.
Protein change: p.Asn1866Ser; replaces asparagine 1866 with serine.
Molecular consequence: missense variant.
Genome position (GRCh38, 1-based): chr12:2,685,759, A>G. VCF-style: chr12-2685759-A-G. GRCh37 (hg19) VCF-style: chr12-2794925-A-G.
Other names: c.5741A>G, p.Asn1914Ser (NM_001129827.2); c.5720A>G, p.Asn1907Ser (NM_001129829.2); c.5702A>G, p.Asn1901Ser (NM_001129830.3, NM_001167624.3); c.5681A>G, p.Asn1894Ser (NM_001129831.2); c.5657A>G, p.Asn1886Ser (NM_001129832.2); c.5654A>G, p.Asn1885Ser (NM_001129833.2, NM_001129834.2, NM_001129835.2); c.5648A>G, p.Asn1883Ser (NM_001129836.2); c.5621A>G, p.Asn1874Ser (NM_001129837.2, NM_001129838.2); and 6 more; short protein forms N1855S, N1866S, N1886S, N1926S, N1949S, N1874S, N1883S, N1914S.
Identifiers: ClinVar variation 3635031 (VCV003635031.2).

ClinVar aggregate classification (germline): Uncertain significance (1 of 4 stars; one submission).

Conditions:
Long QT syndrome (LQTS). Identifiers: MedGen C0023976, MeSH D008133, MONDO:0002442. Disease mechanism: loss of function. Inheritance: Various modes of inheritance.

Submission:

Labcorp Genetics (formerly Invitae), Labcorp
Classification: Uncertain significance for Long QT syndrome. Last evaluated: 2024-09-15. Review status: criteria provided, single submitter. Criteria: Invitae Variant Classification Sherloc (09022015). Collection method: clinical testing. Allele origin: germline.
Comment: This sequence change replaces asparagine, which is neutral and polar, with serine, which is neutral and polar, at codon 1866 of the CACNA1C protein (p.Asn1866Ser). This variant is not present in population databases (gnomAD no frequency). This variant has not been reported in the literature in individuals affected with CACNA1C-related conditions. Invitae Evidence Modeling of protein sequence and biophysical properties (such as structural, functional, and spatial information, amino acid conservation, physicochemical variation, residue mobility, and thermodynamic stability) indicates that this missense variant is not expected to disrupt CACNA1C protein function with a negative predictive value of 95%. In summary, the available evidence is currently insufficient to determine the role of this variant in disease. Therefore, it has been classified as a Variant of Uncertain Significance.